The following is an entry in ClinVar:

ClinVar aggregate classification (germline): Likely benign (1 of 4 stars; one submission).

Allele frequency attached by ClinVar (database versions not stated): gnomAD exomes below 0.00001.
gnomAD v4.1: 1 of 1,549,282 alleles (0.000065%); highest among the groups gnomAD compares: Non-Finnish European, 0.000087%; no homozygotes.

Submission:

CeGaT Center for Human Genetics Tuebingen
Classification: Likely benign. Last evaluated: 2022-09-01. Review status: criteria provided, single submitter. Criteria: CeGaT Center For Human Genetics Tuebingen Variant Classification Criteria Version 2. Collection method: clinical testing. Allele origin: germline. Affected: yes. Observed: 1 variant allele.
Comment: NBEAL1: PM2:Supporting, BP4, BP7

NM_001378026.1(NBEAL1):c.147A>G (p.Val49=)

Gene: NBEAL1 (neurobeachin like 1; plus strand). Cytogenetic location: 2q33.2.
Variant type: single nucleotide variant.
Coding change: c.147A>G on transcript NM_001378026.1 (MANE Select); coding-DNA position 147, A replaced by G.
Protein change: p.Val49=; no amino-acid change (valine 49 retained).
Molecular consequence: synonymous variant.
Genome position (GRCh38, 1-based): chr2:203,049,817, A>G. VCF-style: chr2-203049817-A-G. GRCh37 (hg19) VCF-style: chr2-203914540-A-G.
Other names: c.147A>G, p.Val49= (NM_001114132.2).
Identifiers: ClinVar variation 2651827 (VCV002651827.24), dbSNP rs2469477467, ClinGen allele CA430875695.
Genomic context (GRCh38, chr2:203,049,817, plus strand): 5'-AGAGATTTTCTTCTTGTATTTCAACAGGCTTCTTATTTTTTTCCCTTTCTGTTGTAGGGT[A>G]GATGATATGCCTCCAGGAATATCTCTGCTTCCTGATAATATTCTGCAGGTTCTGAGGATC-3'
Protein context (NP_001364955.1, residues 39-59): DVDFEKLPTR[Val49=]DDMPPGISLL